The following is an entry in ClinVar:

NM_152703.5(SAMD9L):c.4103T>C (p.Leu1368Pro)

Gene: SAMD9L (sterile alpha motif domain containing 9 like; minus strand). Cytogenetic location: 7q21.2.
Variant type: single nucleotide variant.
Coding change: c.4103T>C on transcript NM_152703.5 (MANE Select); coding-DNA position 4103, T replaced by C.
Protein change: p.Leu1368Pro; replaces leucine 1368 with proline.
Molecular consequence: missense variant.
Genome position (GRCh38, 1-based): chr7:93,131,869, A>G on the plus strand (T>C on the coding strand, the complement: SAMD9L is on the minus strand). VCF-style: chr7-93131869-A-G. GRCh37 (hg19) VCF-style: chr7-92761182-A-G.
Other names: c.4103T>C, p.Leu1368Pro (NM_001303496.3, NM_001303497.3, NM_001303498.3 and 5 more transcripts); short protein forms L1368P.
Identifiers: ClinVar variation 5028835 (VCV005028835.1).
Genomic context (GRCh38, chr7:93,131,869, plus strand): 5'-ATGTTGGCCAAAATGGAATTTTGTTTCTCATTTGTCATGGGCTTTTTTGAGTTTTGCTGC[A>G]GTAGGAAGGCATATTCATTCACTATACTTTCCATGGTGGTAGCATCTTTGTAGTTTGGAT-3'
Protein context (NP_689916.2, residues 1358-1378): ESIVNEYAFL[Leu1368Pro]QQNSKKPMTN

ClinVar aggregate classification (germline): Uncertain significance (1 of 4 stars; one submission).

Conditions:
Inborn genetic diseases. Identifiers: MedGen C0950123, MeSH D030342.

Submission:

Ambry Genetics
Classification: Uncertain significance for Inborn genetic diseases. Last evaluated: 2026-06-17. Review status: criteria provided, single submitter. Criteria: Ambry Variant Classification Scheme 2023. Collection method: clinical testing. Allele origin: germline.
Comment: The p.L1368P variant (also known as c.4103T>C), located in coding exon 1 of the SAMD9L gene, results from a T to C substitution at nucleotide position 4103. The leucine at codon 1368 is replaced by proline, an amino acid with similar properties. This amino acid position is conserved. In addition, this alteration is predicted to be tolerated by in silico analysis. Based on the available evidence, the clinical significance of this variant remains unclear.